The following is an entry in ClinVar:

NM_078480.3(PUF60):c.613C>T (p.Pro205Ser)

Gene: PUF60 (poly(U) binding splicing factor 60; minus strand). Cytogenetic location: 8q24.3.
Variant type: single nucleotide variant.
Coding change: c.613C>T on transcript NM_078480.3 (MANE Select); coding-DNA position 613, C replaced by T.
Protein change: p.Pro205Ser; replaces proline 205 with serine.
Molecular consequence: missense variant.
Genome position (GRCh38, 1-based): chr8:143,818,066, G>A on the plus strand (C>T on the coding strand, the complement: PUF60 is on the minus strand). VCF-style: chr8-143818066-G-A. GRCh37 (hg19) VCF-style: chr8-144900236-G-A.
Other names: c.484C>T, p.Pro162Ser (NM_001136033.3); c.559C>T, p.Pro187Ser (NM_001271096.2); c.475C>T, p.Pro159Ser (NM_001271097.2); c.610C>T, p.Pro204Ser (NM_001271098.2); c.526C>T, p.Pro176Ser (NM_001271099.2); c.433C>T, p.Pro145Ser (NM_001271100.2); c.724C>T, p.Pro242Ser (NM_001362895.2, NM_001362896.2); c.673C>T, p.Pro225Ser (NM_001362897.2); and 1 more; short protein forms P145S, P159S, P162S, P176S, P187S, P188S, P204S, P205S.
Identifiers: ClinVar variation 1684535 (VCV001684535.2), dbSNP rs1439430129, ClinGen allele CA372491045.

ClinVar aggregate classification (germline): Uncertain significance (1 of 4 stars; one submission).

Conditions:
8q24.3 microdeletion syndrome. Also called: CHROMOSOME 8q24.3 DELETION SYNDROME; Verheij syndrome. Identifiers: Orphanet 508488, MedGen C3810023, MONDO:0014263, OMIM 615583.

Allele frequency attached by ClinVar (database versions not stated): TOPMed below 0.00001.

Submission:

Institute of Human Genetics, University of Goettingen
Classification: Uncertain significance for 8q24.3 microdeletion syndrome. Last evaluated: 2022-05-20. Review status: criteria provided, single submitter. Criteria: ACMG Guidelines, 2015. Collection method: clinical testing. Allele origin: unknown. Inheritance: Autosomal dominant inheritance. Observed: 1 heterozygote.
Comment: A comparison with the gnomAD browser did not provide any evidence that this sequence change is a norm variant that can also be detected in non-affected individuals. The mutation is currently not listed in ClinVar or in the HGMD database; the mutation is located in a protein domain of PUF60 and affects a highly conserved amino acid; the mutation is independently classified as deleterious by the majority of prediction programs; the following ACMG criteria were applied for classification: PM2, PP2, PP3.